The following is an entry in ClinVar:

ClinVar aggregate classification (germline): Uncertain significance (1 of 4 stars; one submission).

Conditions:
Left-right axis malformations. Identifiers: MedGen C1866091.

Submission:

Labcorp Genetics (formerly Invitae), Labcorp
Classification: Uncertain significance for Left-right axis malformations. Last evaluated: 2025-03-19. Review status: criteria provided, single submitter. Criteria: Invitae Variant Classification Sherloc (09022015). Collection method: clinical testing. Allele origin: germline.
Comment: This sequence change replaces leucine, which is neutral and non-polar, with proline, which is neutral and non-polar, at codon 130 of the LEFTY2 protein (p.Leu130Pro). This variant is not present in population databases (gnomAD no frequency). This variant has not been reported in the literature in individuals affected with LEFTY2-related conditions. Invitae Evidence Modeling of protein sequence and biophysical properties (such as structural, functional, and spatial information, amino acid conservation, physicochemical variation, residue mobility, and thermodynamic stability) indicates that this missense variant is not expected to disrupt LEFTY2 protein function with a negative predictive value of 80%. In summary, the available evidence is currently insufficient to determine the role of this variant in disease. Therefore, it has been classified as a Variant of Uncertain Significance.

NM_003240.5(LEFTY2):c.389T>C (p.Leu130Pro)

Gene: LEFTY2 (left-right determination factor 2; minus strand). Cytogenetic location: 1q42.12.
Variant type: single nucleotide variant.
Coding change: c.389T>C on transcript NM_003240.5 (MANE Select); coding-DNA position 389, T replaced by C.
Protein change: p.Leu130Pro; replaces leucine 130 with proline.
Molecular consequence: missense variant.
Genome position (GRCh38, 1-based): chr1:225,939,864, A>G on the plus strand (T>C on the coding strand, the complement: LEFTY2 is on the minus strand). VCF-style: chr1-225939864-A-G. GRCh37 (hg19) VCF-style: chr1-226127564-A-G.
Other names: c.287T>C, p.Leu96Pro (NM_001172425.3); short protein forms L130P, L96P.
Identifiers: ClinVar variation 4768048 (VCV004768048.1).
Genomic context (GRCh38, chr1:225,939,864, plus strand): 5'-AGCCACTCGACGGTCACCCGGGCCTGGGCGCTGCGCGGGGACAGCCGCCCGTGCCTGTGC[A>G]GCGCGGCCTTGGGGACCGGCTCCTGGAAGAGCCGCAGCACGGCCTGCACCAGCTCGCTGT-3'
Protein context (NP_003231.2, residues 120-140): LFQEPVPKAA[Leu130Pro]HRHGRLSPRS